The following is an entry in ClinVar:

ClinVar aggregate classification (germline): Conflicting classifications of pathogenicity. Review status: criteria provided, conflicting classifications (1 of 4 stars). 3 submissions from 3 submitters: Uncertain significance (1); Likely benign (2). Last evaluated 2023-12-18.

Conditions:
Developmental and epileptic encephalopathy, 12 (DEE12). Identifiers: MedGen C3150988, MONDO:0013389, OMIM 613722.
Microcephaly, seizures, and developmental delay. Identifiers: Orphanet 1934, MedGen C3150667, MONDO:0013254, OMIM 613402.

gnomAD v4.1: 4 of 1,614,172 alleles (0.00025%); highest among the groups gnomAD compares: Non-Finnish European, 0.00034%; no homozygotes.

Submissions (3):

Labcorp Genetics (formerly Invitae), Labcorp
Classification: Likely benign for Developmental and epileptic encephalopathy, 12. Last evaluated: 2023-12-18. Review status: criteria provided, single submitter. Criteria: Invitae Variant Classification Sherloc (09022015). Collection method: clinical testing. Allele origin: germline.

CeGaT Center for Human Genetics Tuebingen
Classification: Likely benign. Last evaluated: 2023-06-01. Review status: criteria provided, single submitter. Criteria: CeGaT Center For Human Genetics Tuebingen Variant Classification Criteria Version 2. Collection method: clinical testing. Allele origin: germline. Affected: yes. Observed: 1 variant allele.
Comment: PNKP: PM2:Supporting, BP4, BP7

Genetic Services Laboratory, University of Chicago
Classification: Uncertain significance for Epileptic encephalopathy, early infantile, 10. Last evaluated: 2013-02-08. Review status: criteria provided, single submitter. Criteria: ACMG Guidelines, 2007. Collection method: clinical testing. Allele origin: germline. Inheritance: Autosomal recessive inheritance.

NM_007254.4(PNKP):c.1482C>A (p.Gly494=)

Gene: PNKP (polynucleotide kinase 3'-phosphatase; minus strand). Cytogenetic location: 19q13.33.
Variant type: single nucleotide variant.
Coding change: c.1482C>A on transcript NM_007254.4 (MANE Select); coding-DNA position 1482, C replaced by A.
Protein change: p.Gly494=; no amino-acid change (glycine 494 retained).
Molecular consequence: synonymous variant.
Genome position (GRCh38, 1-based): chr19:49,861,332, G>T on the plus strand (C>A on the coding strand, the complement: PNKP is on the minus strand). VCF-style: chr19-49861332-G-T. GRCh37 (hg19) VCF-style: chr19-50364589-G-T.
Identifiers: ClinVar variation 159790 (VCV000159790.33), dbSNP rs60279874, ClinGen allele CA251146.